The following is an entry in ClinVar:

ClinVar aggregate classification (germline): Uncertain significance (1 of 4 stars; one submission).

Submission:

Labcorp Genetics (formerly Invitae), Labcorp
Classification: Uncertain significance. Last evaluated: 2024-07-23. Review status: criteria provided, single submitter. Criteria: Invitae Variant Classification Sherloc (09022015). Collection method: clinical testing. Allele origin: germline.
Comment: This sequence change replaces glutamic acid, which is acidic and polar, with glutamine, which is neutral and polar, at codon 156 of the WNT5A protein (p.Glu156Gln). This variant is not present in population databases (gnomAD no frequency). This variant has not been reported in the literature in individuals affected with WNT5A-related conditions. Advanced modeling of protein sequence and biophysical properties (such as structural, functional, and spatial information, amino acid conservation, physicochemical variation, residue mobility, and thermodynamic stability) performed at Invitae indicates that this missense variant is not expected to disrupt WNT5A protein function with a negative predictive value of 80%. In summary, the available evidence is currently insufficient to determine the role of this variant in disease. Therefore, it has been classified as a Variant of Uncertain Significance.

NM_003392.7(WNT5A):c.466G>C (p.Glu156Gln)

Gene: WNT5A (Wnt family member 5A; minus strand). Cytogenetic location: 3p14.3.
Variant type: single nucleotide variant.
Coding change: c.466G>C on transcript NM_003392.7 (MANE Select); coding-DNA position 466, G replaced by C.
Protein change: p.Glu156Gln; replaces glutamic acid 156 with glutamine.
Molecular consequence: missense variant.
Genome position (GRCh38, 1-based): chr3:55,474,555, C>G on the plus strand (G>C on the coding strand, the complement: WNT5A is on the minus strand). VCF-style: chr3-55474555-C-G. GRCh37 (hg19) VCF-style: chr3-55508583-C-G.
Other names: c.421G>C, p.Glu141Gln (NM_001256105.1, NM_001377271.1, NM_001377272.1); short protein forms E141Q, E156Q.
Identifiers: ClinVar variation 3701913 (VCV003701913.2).